The following is an entry in ClinVar:

NM_000135.4(FANCA):c.800_801dup (p.Asp268fs)

Gene: FANCA (FA complementation group A; minus strand). Cytogenetic location: 16q24.3.
Variant type: Duplication.
Coding change: c.800_801dup on transcript NM_000135.4 (MANE Select); coding-DNA positions 800 to 801, 2 bases duplicated (TT; older notation c.800_801dupTT).
Protein change: p.Asp268fs; shifts the reading frame from aspartic acid 268.
Molecular consequence: frameshift variant.
Genome position (GRCh38, 1-based): chr16:89,799,630-89,799,631, AA duplicated on the plus strand (TT on the coding strand, the reverse complement: FANCA is on the minus strand). VCF-style (leftmost placement, unchanged base first): chr16-89799629-C-CAA. GRCh37 (hg19) VCF-style: chr16-89866037-C-CAA.
Other names: c.800_801dup, p.Asp268fs (NM_001018112.3, NM_001286167.3); c.704_705dup, p.Asp236fs (NM_001351830.2); short protein forms D236fs, D268fs.
Identifiers: ClinVar variation 1073058 (VCV001073058.8), dbSNP rs2143585362, ClinGen allele CA2499223866.

ClinVar aggregate classification (germline): Pathogenic. Review status: criteria provided, multiple submitters, no conflicts (2 of 4 stars). 2 submissions from 2 submitters: Pathogenic (2). Last evaluated 2026-02-12.

Conditions:
Fanconi anemia (FA). Also called: Fanconi's anemia. Identifiers: Orphanet 84, MedGen C0015625, MeSH D005199, MONDO:0019391.
Fanconi anemia complementation group A (FANCA). Also called: FANCA-Related Fanconi Anemia; Fanconi anemia, group A. Identifiers: Orphanet 84, MedGen C3469521, MONDO:0009215, OMIM 227650.

Submissions (2):

Myriad Genetics, Inc.
Classification: Pathogenic for Fanconi anemia complementation group A. Last evaluated: 2026-02-12. Review status: criteria provided, single submitter. Criteria: Myriad Autosomal Dominant, Autosomal Recessive and X-Linked Classification Criteria (2023). Collection method: clinical testing. Allele origin: unknown.
Comment: NM_000135.2(FANCA):c.800_801dupTT(D268Lfs*8) is a frameshift variant classified as pathogenic in the context of Fanconi anemia complementation group A. D268Lfs*8 has not been observed in cases with relevant disease. Relevant functional assessments of this variant are not available in the literature. D268Lfs*8 has not been observed in referenced population frequency databases. In summary, NM_000135.2(FANCA):c.800_801dupTT(D268Lfs*8) is a frameshift variant in a gene where loss of function is a known mechanism of disease and is predicted to disrupt protein function. Please note: this variant was assessed in the context of healthy population screening.

Labcorp Genetics (formerly Invitae), Labcorp
Classification: Pathogenic for Fanconi anemia. Last evaluated: 2020-07-07. Review status: criteria provided, single submitter. Criteria: Invitae Variant Classification Sherloc (09022015). Collection method: clinical testing. Allele origin: germline.
Comment: This sequence change creates a premature translational stop signal (p.Asp268Leufs*8) in the FANCA gene. It is expected to result in an absent or disrupted protein product. This variant is not present in population databases (ExAC no frequency). This variant has not been reported in the literature in individuals with FANCA-related conditions. Loss-of-function variants in FANCA are known to be pathogenic (PMID: 19367192). For these reasons, this variant has been classified as Pathogenic.

Literature cited by the submitters: PubMed 19367192 (cited by Labcorp Genetics (formerly Invitae), Labcorp).